The following is an entry in ClinVar:

ClinVar aggregate classification (germline): Uncertain significance. Review status: criteria provided, multiple submitters, no conflicts (2 of 4 stars). 3 submissions from 3 submitters: Uncertain significance (3). Last evaluated 2024-01-04.

Conditions:
Spinocerebellar ataxia type 5 (SCA5). Identifiers: Orphanet 98766, MedGen C0752123, MONDO:0010848, OMIM 600224.

Allele frequency attached by ClinVar (database versions not stated): TOPMed 0.00001; ExAC 0.00002; gnomAD exomes 0.00002.
gnomAD v4.1: 23 of 1,613,048 alleles (0.0014%); highest among the groups gnomAD compares: Non-Finnish European, 0.0018%; no homozygotes.

Submissions (3):

Women's Health and Genetics/Laboratory Corporation of America, LabCorp
Classification: Uncertain significance. Last evaluated: 2024-01-04. Review status: criteria provided, single submitter. Criteria: LabCorp Variant Classification Summary - May 2015. Collection method: clinical testing. Allele origin: germline.
Comment: Variant summary: SPTBN2 c.1844G>A (p.Arg615Gln) results in a conservative amino acid change in the encoded protein sequence. Four of five in-silico tools predict a damaging effect of the variant on protein function. The variant allele was found at a frequency of 2e-05 in 244656 control chromosomes (gnomAD). The available data on variant occurrences in the general population are insufficient to allow any conclusion about variant significance. c.1844G>A has been reported in the literature in at least one individual affected with progressive myoclonus epilepsy (e.g., Muona_2015), however without strong evidence for causality (e.g., lack of co-segregation data). This report therefore does not provide unequivocal conclusions about association of the variant with Spinocerebellar Ataxia 5. To our knowledge, no experimental evidence demonstrating an impact on protein function has been reported. The following publication was ascertained in the context of this evaluation (PMID: 25401298). One submitter has reported clinical-significance assessments for this variant to ClinVar after 2014 and has classified the variant as uncertain significance. Based on the evidence outlined above, the variant was classified as uncertain significance.

GeneDx
Classification: Uncertain significance. Last evaluated: 2019-08-23. Review status: criteria provided, single submitter. Criteria: GeneDx Variant Classification Process June 2021. Collection method: clinical testing. Allele origin: germline. Affected: yes.
Comment: In silico analysis, which includes protein predictors and evolutionary conservation, supports a deleterious effect; Has not been previously published as pathogenic or benign to our knowledge

Neuberg Centre For Genomic Medicine, NCGM
Classification: Uncertain significance for Spinocerebellar ataxia type 5. Review status: criteria provided, single submitter. Criteria: ACMG Guidelines, 2015. Collection method: clinical testing. Allele origin: germline. Inheritance: Autosomal dominant inheritance. Affected: yes.
Comment: The missense c.1844G>Ap.Arg615Gln variant in SPTBN2 gene has not been reported previously as a pathogenic variant nor as a benign variant, to our knowledge. This variant is reported with the allele frequency of 0.002% in the gnomAD Exomes and novel in 1000 Genomes. This variant has been reported to the ClinVar database as Uncertain Significance. However, no details are available for independent assessment. The amino acid Arg at position 615 is changed to a Gln changing protein sequence and it might alter its composition and physico-chemical properties. The amino acid change p.Arg615Gln in SPTBN2 is predicted as conserved by GERP++ and PhyloP across 100 vertebrates. The variant is predicted as damaging by SIFT. For these reasons, this variant has been classified as Uncertain Significance.

Literature cited by the submitters: PubMed 25401298 (cited by Women's Health and Genetics/Laboratory Corporation of America, LabCorp).

NM_006946.4(SPTBN2):c.1844G>A (p.Arg615Gln)

Gene: SPTBN2 (spectrin beta, non-erythrocytic 2; minus strand). Cytogenetic location: 11q13.2.
Variant type: single nucleotide variant.
Coding change: c.1844G>A on transcript NM_006946.4 (MANE Select); coding-DNA position 1844, G replaced by A.
Protein change: p.Arg615Gln; replaces arginine 615 with glutamine.
Molecular consequence: missense variant.
Genome position (GRCh38, 1-based): chr11:66,705,432, C>T on the plus strand (G>A on the coding strand, the complement: SPTBN2 is on the minus strand). VCF-style: chr11-66705432-C-T. GRCh37 (hg19) VCF-style: chr11-66472903-C-T.
Other names: short protein forms R615Q.
Identifiers: ClinVar variation 1307918 (VCV001307918.4), dbSNP rs768742849, ClinGen allele CA6129235.